The following is an entry in ClinVar:

NM_020937.4(FANCM):c.2984C>G (p.Ser995Cys)

Gene: FANCM (FA complementation group M; plus strand). Cytogenetic location: 14q21.2.
Variant type: single nucleotide variant.
Coding change: c.2984C>G on transcript NM_020937.4 (MANE Select); coding-DNA position 2984, C replaced by G.
Protein change: p.Ser995Cys; replaces serine 995 with cysteine.
Molecular consequence: missense variant.
Genome position (GRCh38, 1-based): chr14:45,175,738, C>G. VCF-style: chr14-45175738-C-G. GRCh37 (hg19) VCF-style: chr14-45644941-C-G.
Other names: c.2906C>G, p.Ser969Cys (NM_001308133.2); short protein forms S995C, S969C.
Identifiers: ClinVar variation 3848595 (VCV003848595.1).

ClinVar aggregate classification (germline): Uncertain significance (1 of 4 stars; one submission).

Conditions:
Inborn genetic diseases. Identifiers: MedGen C0950123, MeSH D030342.

gnomAD v4.1: 2 of 1,613,720 alleles (0.00012%); highest among the groups gnomAD compares: Non-Finnish European, 0.00017%; no homozygotes.

Submission:

Ambry Genetics
Classification: Uncertain significance for Inborn genetic diseases. Last evaluated: 2025-01-08. Review status: criteria provided, single submitter. Criteria: Ambry Variant Classification Scheme 2023. Collection method: clinical testing. Allele origin: germline.
Comment: The p.S995C variant (also known as c.2984C>G), located in coding exon 14 of the FANCM gene, results from a C to G substitution at nucleotide position 2984. The serine at codon 995 is replaced by cysteine, an amino acid with dissimilar properties. This amino acid position is conserved. In addition, this alteration is predicted to be tolerated by in silico analysis. Based on the available evidence, the clinical significance of this variant remains unclear.